The following is an entry in ClinVar:

ClinVar aggregate classification (germline): Uncertain significance. Review status: criteria provided, multiple submitters, no conflicts (2 of 4 stars). 3 submissions from 3 submitters: Uncertain significance (3). Last evaluated 2025-10-02.

Allele frequency attached by ClinVar (database versions not stated): ExAC 0.00007.
gnomAD v4.1: 27 of 1,613,862 alleles (0.0017%); highest among the groups gnomAD compares: Admixed American, 0.022%; no homozygotes.

Submissions (3):

Labcorp Genetics (formerly Invitae), Labcorp
Classification: Uncertain significance. Last evaluated: 2025-10-02. Review status: criteria provided, single submitter. Criteria: Invitae Variant Classification Sherloc (09022015). Collection method: clinical testing. Allele origin: germline.
Comment: This sequence change replaces arginine, which is basic and polar, with cysteine, which is neutral and slightly polar, at codon 1917 of the MYH14 protein (p.Arg1917Cys). This variant is present in population databases (rs750942360, gnomAD 0.03%), and has an allele count higher than expected for a pathogenic variant. This variant has not been reported in the literature in individuals affected with MYH14-related conditions. ClinVar contains an entry for this variant (Variation ID: 2748312). Invitae Evidence Modeling of protein sequence and biophysical properties (such as structural, functional, and spatial information, amino acid conservation, physicochemical variation, residue mobility, and thermodynamic stability) indicates that this missense variant is not expected to disrupt MYH14 protein function with a negative predictive value of 80%. In summary, the available evidence is currently insufficient to determine the role of this variant in disease. Therefore, it has been classified as a Variant of Uncertain Significance.

Women's Health and Genetics/Laboratory Corporation of America, LabCorp
Classification: Uncertain significance. Last evaluated: 2024-07-09. Review status: criteria provided, single submitter. Criteria: LabCorp Variant Classification Summary - May 2015. Collection method: clinical testing. Allele origin: germline.
Comment: Variant summary: MYH14 c.5749C>T (p.Arg1917Cys) results in a non-conservative amino acid change located in the Myosin tail domain (IPR002928) of the encoded protein sequence. Three of five in-silico tools predict a damaging effect of the variant on protein function. The variant allele was found at a frequency of 6e-05 in 249046 control chromosomes. This frequency is not significantly higher than estimated for a pathogenic variant in MYH14 causing Deafness, Autosomal Dominant 4, allowing no conclusion about variant significance. To our knowledge, no occurrence of c.5749C>T in individuals affected with Deafness, Autosomal Dominant 4 and no experimental evidence demonstrating its impact on protein function have been reported. ClinVar contains an entry for this variant (Variation ID: 2748312). Based on the evidence outlined above, the variant was classified as uncertain significance.

GeneDx
Classification: Uncertain significance. Last evaluated: 2023-07-25. Review status: criteria provided, single submitter. Criteria: GeneDx Variant Classification Process June 2021. Collection method: clinical testing. Allele origin: germline. Affected: yes.
Comment: In silico analysis supports that this missense variant has a deleterious effect on protein structure/function; Has not been previously published as pathogenic or benign to our knowledge

NM_001145809.2(MYH14):c.5872C>T (p.Arg1958Cys)

Gene: MYH14 (myosin heavy chain 14; plus strand). Cytogenetic location: 19q13.33.
Variant type: single nucleotide variant.
Coding change: c.5872C>T on transcript NM_001145809.2 (MANE Select); coding-DNA position 5872, C replaced by T.
Protein change: p.Arg1958Cys; replaces arginine 1958 with cysteine.
Molecular consequence: missense variant.
Genome position (GRCh38, 1-based): chr19:50,309,089, C>T. VCF-style: chr19-50309089-C-T. GRCh37 (hg19) VCF-style: chr19-50812346-C-T.
Other names: c.5749C>T (NM_024729.3); c.5773C>T, p.Arg1925Cys (NM_001077186.2); c.5749C>T, p.Arg1917Cys (NM_024729.4); short protein forms R1917C, R1925C, R1958C.
Identifiers: ClinVar variation 2748312 (VCV002748312.5), dbSNP rs750942360, ClinGen allele CA9593920.